The following is an entry in ClinVar:

NM_000742.4(CHRNA2):c.1275T>A (p.Cys425Ter)

Gene: CHRNA2 (cholinergic receptor nicotinic alpha 2 subunit; minus strand). Cytogenetic location: 8p21.2.
Variant type: single nucleotide variant.
Coding change: c.1275T>A on transcript NM_000742.4 (MANE Select); coding-DNA position 1275, T replaced by A.
Protein change: p.Cys425Ter; replaces cysteine 425 with a stop codon.
Molecular consequence: nonsense.
Genome position (GRCh38, 1-based): chr8:27,463,168, A>T on the plus strand (T>A on the coding strand, the complement: CHRNA2 is on the minus strand). VCF-style: chr8-27463168-A-T. GRCh37 (hg19) VCF-style: chr8-27320685-A-T.
Other names: c.1230T>A, p.Cys410Ter (NM_001282455.2); c.798T>A, p.Cys266Ter (NM_001347705.2, NM_001347706.2); c.681T>A, p.Cys227Ter (NM_001347707.2, NM_001347708.2); short protein forms C266*, C227*, C410*, C425*.
Identifiers: ClinVar variation 846007 (VCV000846007.10), dbSNP rs530383631, ClinGen allele CA4689487.

ClinVar aggregate classification (germline): Uncertain significance. Review status: criteria provided, multiple submitters, no conflicts (2 of 4 stars). 3 submissions from 3 submitters: Uncertain significance (3). Last evaluated 2023-12-06.

Conditions:
Familial sleep-related hypermotor epilepsy. Also called: Autosomal Dominant Sleep-Related Hypermotor (Hyperkinetic) Epilepsy. Identifiers: Orphanet 98784, MedGen C3696898, MONDO:0000030.
Inborn genetic diseases. Identifiers: MedGen C0950123, MeSH D030342.
Autosomal dominant nocturnal frontal lobe epilepsy 4. Also called: EPILEPSY, FAMILIAL, WITH NOCTURNAL WANDERING AND ICTAL FEAR; CHRNA2-Related Nocturnal Frontal Lobe Epilepsy, Autosomal Dominant. Identifiers: Orphanet 98784, MedGen C1835905, MONDO:0012474, OMIM 610353.

Allele frequency attached by ClinVar (database versions not stated): gnomAD 0.00004 and 0.00003; 1000 Genomes Project 30x 0.00047; gnomAD exomes 0.00001; TOPMed 0.00001; ExAC 0.00003; 1000 Genomes Project 0.00040.
gnomAD v4.1: 7 of 1,598,810 alleles (0.00044%); highest among the groups gnomAD compares: African/African-American, 0.0094%; no homozygotes.

Submissions (3):

Labcorp Genetics (formerly Invitae), Labcorp
Classification: Uncertain significance. Last evaluated: 2023-12-06. Review status: criteria provided, single submitter. Criteria: Invitae Variant Classification Sherloc (09022015). Collection method: clinical testing. Allele origin: germline.
Comment: This sequence change creates a premature translational stop signal (p.Cys425*) in the CHRNA2 gene. It is expected to result in an absent or disrupted protein product. However, the current clinical and genetic evidence is not sufficient to establish whether loss-of-function variants in CHRNA2 cause disease. This variant is present in population databases (rs530383631, gnomAD 0.02%). This variant has not been reported in the literature in individuals affected with CHRNA2-related conditions. This premature translational stop signal has been observed in at least one individual who was not affected with CHRNA2-related conditions (Invitae). ClinVar contains an entry for this variant (Variation ID: 846007). In summary, the available evidence is currently insufficient to determine the role of this variant in disease. Therefore, it has been classified as a Variant of Uncertain Significance.

Fulgent Genetics
Classification: Uncertain significance for Autosomal dominant nocturnal frontal lobe epilepsy 4. Last evaluated: 2022-04-22. Review status: criteria provided, single submitter. Criteria: ACMG Guidelines, 2015. Collection method: clinical testing. Allele origin: unknown.

Ambry Genetics
Classification: Uncertain significance for Inborn genetic diseases. Last evaluated: 2017-08-02. Review status: criteria provided, single submitter. Criteria: Ambry Variant Classification Scheme 2023. Collection method: clinical testing. Allele origin: germline.
Comment: The p.C425* variant (also known as c.1275T>A), located in coding exon 5 of the CHRNA2 gene, results from a T to A substitution at nucleotide position 1275. This changes the amino acid from a cysteine to a stop codon within coding exon 5. This alteration is expected to result in loss of function by premature protein truncation or nonsense-mediated mRNA decay. However, loss of function of CHRNA2 has not been clearly established as a mechanism of disease. Since supporting evidence is limited at this time, the clinical significance of this alteration remains unclear.